The following is an entry in ClinVar:

ClinVar aggregate classification (germline): Uncertain significance. Review status: criteria provided, multiple submitters, no conflicts (2 of 4 stars). 3 submissions from 3 submitters: Uncertain significance (3). Last evaluated 2024-04-04.

Conditions:
Familial thoracic aortic aneurysm and aortic dissection (TAAD). Also called: Thoracic aortic aneurysms and dissections. Identifiers: Orphanet 91387, MedGen C4707243, MONDO:0019625.

Allele frequency attached by ClinVar (database versions not stated): gnomAD exomes below 0.00001.
gnomAD v4.1: 4 of 1,612,744 alleles (0.00025%); highest among the groups gnomAD compares: Non-Finnish European, 0.00034%; no homozygotes.

Submissions (3):

GeneDx
Classification: Uncertain significance. Last evaluated: 2024-04-04. Review status: criteria provided, single submitter. Criteria: GeneDx Variant Classification Process June 2021. Collection method: clinical testing. Allele origin: germline. Affected: yes.
Comment: Has not been previously published as pathogenic or benign to our knowledge; Not observed at significant frequency in large population cohorts (gnomAD); In silico analysis indicates that this missense variant does not alter protein structure/function

All of Us Research Program, National Institutes of Health
Classification: Uncertain significance for Familial thoracic aortic aneurysm and aortic dissection. Last evaluated: 2023-08-28. Review status: criteria provided, single submitter. Criteria: ACMG Guidelines, 2015. Collection method: clinical testing. Allele origin: germline. Inheritance: Autosomal dominant inheritance. Observed: 2 variant alleles, 2 heterozygotes.
Comment: This missense variant replaces valine with methionine at codon 629 of the MYH11 protein. Computational prediction suggests that this variant may not impact protein structure and function (internally defined REVEL score threshold <= 0.5, PMID: 27666373). This variant causes a G>A nucleotide substitution at the last nucleotide of exon 16 of the MYH11 gene, and splice site prediction tools suggest that this variant may impact RNA splicing. To our knowledge, functional studies have not been reported for this variant. This variant has not been reported in individuals affected with cardiovascular disorders in the literature. This variant has been identified in 1/251440 chromosomes in the general population by the Genome Aggregation Database (gnomAD). The available evidence is insufficient to determine the role of this variant in disease conclusively. Therefore, this variant is classified as a Variant of Uncertain Significance.

This study involves interpretation of variants in research participants for the purpose of population health screening. Participant phenotype was not available at the time of variant classification. Additional details can be found in publication PMID: 35346344, PMCID: PMC8962531

Color Diagnostics, LLC DBA Color Health
Classification: Uncertain significance for Familial thoracic aortic aneurysm and aortic dissection. Last evaluated: 2023-06-21. Review status: criteria provided, single submitter. Criteria: ACMG Guidelines, 2015. Collection method: clinical testing. Allele origin: germline.
Comment: This missense variant replaces valine with methionine at codon 629 of the MYH11 protein. Computational prediction suggests that this variant may not impact protein structure and function (internally defined REVEL score threshold <= 0.5, PMID: 27666373). To our knowledge, functional studies have not been reported for this variant. This variant has not been reported in individuals affected with MYH11-related disorders in the literature. This variant has been identified in 1/251440 chromosomes in the general population by the Genome Aggregation Database (gnomAD). The available evidence is insufficient to determine the role of this variant in disease conclusively. Therefore, this variant is classified as a Variant of Uncertain Significance.

NM_002474.3(MYH11):c.1864G>A (p.Val622Met)

Gene: MYH11 (myosin heavy chain 11; minus strand). Cytogenetic location: 16p13.11.
Variant type: single nucleotide variant.
Coding change: c.1864G>A on transcript NM_002474.3 (MANE Select); coding-DNA position 1864, G replaced by A.
Protein change: p.Val622Met; replaces valine 622 with methionine.
Molecular consequence: missense variant.
Genome position (GRCh38, 1-based): chr16:15,753,394, C>T on the plus strand (G>A on the coding strand, the complement: MYH11 is on the minus strand). VCF-style: chr16-15753394-C-T. GRCh37 (hg19) VCF-style: chr16-15847251-C-T.
Other names: c.1885G>A, p.Val629Met (NM_001040113.2, NM_001040114.2); c.1864G>A, p.Val622Met (NM_022844.3); c.1864G>A (NM_002474.2); short protein forms V629M, V622M.
Identifiers: ClinVar variation 2773856 (VCV002773856.4), dbSNP rs1340696910, ClinGen allele CA394869251.